The following is an entry in ClinVar:

NM_021831.6(AGBL5):c.1264C>G (p.Pro422Ala)

Gene: AGBL5 (AGBL carboxypeptidase 5; plus strand). Cytogenetic location: 2p23.3.
Variant type: single nucleotide variant.
Coding change: c.1264C>G on transcript NM_021831.6 (MANE Select); coding-DNA position 1264, C replaced by G.
Protein change: p.Pro422Ala; replaces proline 422 with alanine.
Molecular consequence: missense variant. On other transcripts: non-coding transcript variant (2).
Genome position (GRCh38, 1-based): chr2:27,056,037, C>G. VCF-style: chr2-27056037-C-G. GRCh37 (hg19) VCF-style: chr2-27278905-C-G.
Other names: c.1264C>G, p.Pro422Ala (NM_001035507.3); c.1264C>G (NM_021831.5); short protein forms P422A.
Identifiers: ClinVar variation 1034768 (VCV001034768.11), dbSNP rs187389989, ClinGen allele CA1567823.

ClinVar aggregate classification (germline): Uncertain significance. Review status: criteria provided, multiple submitters, no conflicts (2 of 4 stars). 2 submissions from 2 submitters: Uncertain significance (2). Last evaluated 2024-01-09.

Conditions:
Inborn genetic diseases. Identifiers: MedGen C0950123, MeSH D030342.

Allele frequency attached by ClinVar (database versions not stated): TOPMed 0.00002.
gnomAD v4.1: 31 of 1,614,096 alleles (0.0019%); highest among the groups gnomAD compares: South Asian, 0.018%; no homozygotes.

Submissions (2):

Ambry Genetics
Classification: Uncertain significance for Inborn genetic diseases. Last evaluated: 2024-01-09. Review status: criteria provided, single submitter. Criteria: Ambry Variant Classification Scheme 2023. Collection method: clinical testing. Allele origin: germline.

Labcorp Genetics (formerly Invitae), Labcorp
Classification: Uncertain significance. Last evaluated: 2022-08-16. Review status: criteria provided, single submitter. Criteria: Invitae Variant Classification Sherloc (09022015). Collection method: clinical testing. Allele origin: germline.
Comment: This sequence change replaces proline, which is neutral and non-polar, with alanine, which is neutral and non-polar, at codon 422 of the AGBL5 protein (p.Pro422Ala). This variant is present in population databases (rs187389989, gnomAD 0.01%). This variant has not been reported in the literature in individuals affected with AGBL5-related conditions. ClinVar contains an entry for this variant (Variation ID: 1034768). Algorithms developed to predict the effect of missense changes on protein structure and function (SIFT, PolyPhen-2, Align-GVGD) all suggest that this variant is likely to be tolerated. In summary, the available evidence is currently insufficient to determine the role of this variant in disease. Therefore, it has been classified as a Variant of Uncertain Significance.